The following is an entry in ClinVar:

NM_021830.5(TWNK):c.732C>T (p.Tyr244=)

Gene: TWNK (twinkle mtDNA helicase; plus strand). Cytogenetic location: 10q24.31.
Variant type: single nucleotide variant.
Coding change: c.732C>T on transcript NM_021830.5 (MANE Select); coding-DNA position 732, C replaced by T.
Protein change: p.Tyr244=; no amino-acid change (tyrosine 244 retained).
Molecular consequence: synonymous variant. On other transcripts: non-coding transcript variant (4), intron variant (3).
Genome position (GRCh38, 1-based): chr10:100,988,942, C>T. VCF-style: chr10-100988942-C-T. GRCh37 (hg19) VCF-style: chr10-102748699-C-T.
Other names: c.732C>T, p.Tyr244= (NM_001163812.2); c.-119-702C>T (NM_001163814.2, NM_001163813.2); c.-57-764C>T (NM_001368275.1).
Identifiers: ClinVar variation 3047784 (VCV003047784.2), dbSNP rs147450539, ClinGen allele CA5653112.

ClinVar aggregate classification (germline): Likely benign (0 of 4 stars; one submission).

Conditions:
TWNK-related disorder. Also called: TWNK-related condition.

Allele frequency attached by ClinVar (database versions not stated): gnomAD exomes below 0.00001; ExAC 0.00001; gnomAD 0.00001; TOPMed 0.00001; ESP Exome Variant Server 0.00008.

Submission:

PreventionGenetics, part of Exact Sciences
Classification: Likely benign for TWNK-related condition. Last evaluated: 2020-03-23. Review status: no assertion criteria provided. Collection method: clinical testing. Allele origin: germline.
Comment: This variant is classified as likely benign based on ACMG/AMP sequence variant interpretation guidelines (Richards et al. 2015 PMID: 25741868, with internal and published modifications).